The following is an entry in ClinVar:

ClinVar aggregate classification (germline): Conflicting classifications of pathogenicity. Review status: criteria provided, conflicting classifications (1 of 4 stars). 13 submissions from 13 submitters: Uncertain significance (3); Benign (2); Likely benign (3). 5 of the submissions do not count toward it. Last evaluated 2026-02-01.

Conditions:
FAM161A-related disorder. Also called: FAM161A-related condition.
Retinitis pigmentosa (RP). Identifiers: Orphanet 791, MedGen C0035334, MeSH D012174, MONDO:0019200, OMIM 268000. Inheritance: Autosomal dominant, autosomal recessive and X linked inheritance.
Retinitis pigmentosa 28 (RP28). Identifiers: Orphanet 791, MedGen C1419614, MONDO:0011630, OMIM 606068.

Allele frequency attached by ClinVar (database versions not stated): ESP Exome Variant Server 0.00272; ExAC 0.00283; gnomAD 0.00329 and 0.00389; gnomAD exomes 0.00347 and 0.00305; TOPMed 0.00391; 1000 Genomes Project 0.00240; 1000 Genomes Project 30x 0.00297.
gnomAD v4.1: 5,676 of 1,614,172 alleles (0.35%); highest among the groups gnomAD compares: Non-Finnish European, 0.38%; 29 homozygotes.

Submissions (13):

Labcorp Genetics (formerly Invitae), Labcorp
Classification: Benign. Last evaluated: 2026-02-01. Review status: criteria provided, single submitter. Criteria: Invitae Variant Classification Sherloc (09022015). Collection method: clinical testing. Allele origin: germline.

Blueprint Genetics
Classification: Likely benign. Last evaluated: 2024-11-26. Review status: criteria provided, single submitter. Criteria: ACMG Guidelines, 2015. Collection method: clinical testing. Allele origin: germline.

CeGaT Center for Human Genetics Tuebingen
Classification: Likely benign. Last evaluated: 2023-11-01. Review status: criteria provided, single submitter. Criteria: CeGaT Center For Human Genetics Tuebingen Variant Classification Criteria Version 2. Collection method: clinical testing. Allele origin: germline. Affected: yes. Observed: 4 variant alleles.
Comment: FAM161A: BP4, BS2

Women's Health and Genetics/Laboratory Corporation of America, LabCorp
Classification: Benign. Last evaluated: 2022-02-18. Review status: criteria provided, single submitter. Criteria: LabCorp Variant Classification Summary - May 2015. Collection method: clinical testing. Allele origin: germline.
Comment: Variant summary: FAM161A c.1133T>G (p.Leu378Arg) results in a non-conservative amino acid change in the encoded protein sequence. Three of five in-silico tools predict a damaging effect of the variant on protein function. The variant allele was found at a frequency of 0.003 in 248790 control chromosomes, predominantly within the Non-Finnish European subpopulation in the gnomAD database at a frequency of 0.0042, including 3 homozygotes. The observed variant frequency within Non-Finnish European control individuals in the gnomAD database (v2.1 dataset) is approximately 6.7-fold of the estimated maximal expected allele frequency for a pathogenic variant in FAM161A causing Retinitis Pigmentosa phenotype (0.00063). The variant was also observed in the Amish subpopulation in 66/910 alleles, including 7 homozygotes, with an allele frequency of 0.0725 in the gnomAD v3.1 dataset. These data strongly suggest that the variant is a benign polymorphism. Six submitters have provided clinical-significance assessments for this variant in ClinVar after 2014 without evidence for independent evaluation, and classified the variant as VUS (n=3), likely benign (n=2) / benign (n=1). Based on the evidence outlined above, the variant was classified as benign.

Department of Pathology and Laboratory Medicine, Sinai Health System
Classification: Likely benign for Retinitis pigmentosa 28. Last evaluated: 2021-08-12. Review status: criteria provided, single submitter. Criteria: ACMG Guidelines, 2015. Collection method: research. Allele origin: germline.

Fulgent Genetics
Classification: Uncertain significance for Retinitis pigmentosa 28. Last evaluated: 2018-10-31. Review status: criteria provided, single submitter. Criteria: ACMG Guidelines, 2015. Collection method: clinical testing. Allele origin: unknown.

Illumina Laboratory Services, Illumina
Classification: Uncertain significance for Retinitis pigmentosa. Last evaluated: 2017-04-27. Review status: criteria provided, single submitter. Criteria: ICSL Variant Classification Criteria 13 December 2019. Collection method: clinical testing. Allele origin: germline.
Comment: This variant was observed as part of a predisposition screen in an ostensibly healthy population. A literature search was performed for the gene, cDNA change, and amino acid change (where applicable). Publications were found based on this search. However, the evidence from the literature, in combination with allele frequency data from public databases where available, was not sufficient to rule this variant in or out of causing disease. Therefore, this variant is classified as a variant of unknown significance.

Eurofins Ntd Llc (ga)
Classification: Uncertain significance. Last evaluated: 2015-11-07. Review status: criteria provided, single submitter. Criteria: EGL Classification Definitions 2015. Collection method: clinical testing. Allele origin: germline. Observed: 6 variant alleles, 4 heterozygotes.

Natera, Inc.
Classification: Likely benign for Retinitis pigmentosa type 28. Last evaluated: 2020-06-11. Review status: no assertion criteria provided. Collection method: clinical testing. Allele origin: germline. Not counted in ClinVar's aggregate classification.

PreventionGenetics, part of Exact Sciences
Classification: Likely benign for FAM161A-related condition. Last evaluated: 2020-02-19. Review status: no assertion criteria provided. Collection method: clinical testing. Allele origin: germline. Not counted in ClinVar's aggregate classification.
Comment: This variant is classified as likely benign based on ACMG/AMP sequence variant interpretation guidelines (Richards et al. 2015 PMID: 25741868, with internal and published modifications).

Clinical Genetics DNA and cytogenetics Diagnostics Lab, Erasmus MC, Erasmus Medical Center
Classification: Likely benign. Review status: no assertion criteria provided. Collection method: clinical testing. Allele origin: germline. Affected: yes. Study: VKGL Data-share Consensus. Not counted in ClinVar's aggregate classification.

Clinical Genetics, Academic Medical Center
Classification: Likely benign. Review status: no assertion criteria provided. Collection method: clinical testing. Allele origin: germline. Affected: yes. Study: VKGL Data-share Consensus. Not counted in ClinVar's aggregate classification.

Laboratory of Diagnostic Genome Analysis, Leiden University Medical Center (LUMC)
Classification: Likely benign. Review status: no assertion criteria provided. Collection method: clinical testing. Allele origin: germline. Affected: yes. Study: VKGL Data-share Consensus. Not counted in ClinVar's aggregate classification.

Literature cited by the submitters: PubMed 20705278 (cited by Illumina Laboratory Services, Illumina and Eurofins Ntd Llc (ga)); PubMed 23167750 (cited by Illumina Laboratory Services, Illumina and Eurofins Ntd Llc (ga)); PubMed 24651477 (cited by Illumina Laboratory Services, Illumina).

NM_001201543.2(FAM161A):c.1133T>G (p.Leu378Arg)

Gene: FAM161A (FAM161 centrosomal protein A; minus strand). Cytogenetic location: 2p15.
Variant type: single nucleotide variant.
Coding change: c.1133T>G on transcript NM_001201543.2 (MANE Select); coding-DNA position 1133, T replaced by G.
Protein change: p.Leu378Arg; replaces leucine 378 with arginine.
Molecular consequence: missense variant. On other transcripts: non-coding transcript variant (1).
Genome position (GRCh38, 1-based): chr2:61,839,871, A>C on the plus strand (T>G on the coding strand, the complement: FAM161A is on the minus strand). VCF-style: chr2-61839871-A-C. GRCh37 (hg19) VCF-style: chr2-62067006-A-C.
Other names: c.1133T>G, p.Leu378Arg (NM_032180.3); short protein forms L378R.
Identifiers: ClinVar variation 167058 (VCV000167058.66), dbSNP rs187695569, ClinGen allele CA233981.